The following is an entry in ClinVar:

ClinVar aggregate classification (germline): Likely pathogenic (0 of 4 stars; one submission).

Conditions:
CACNA1A-related disorder. Also called: CACNA1A-related condition.

Submission:

PreventionGenetics, part of Exact Sciences
Classification: Likely pathogenic for CACNA1A-related condition. Last evaluated: 2024-08-06. Review status: no assertion criteria provided. Collection method: clinical testing. Allele origin: germline.
Comment: The CACNA1A c.1845C>A variant is predicted to result in the amino acid substitution p.Ser615Arg. To our knowledge, this variant has not been reported in the literature or in a large population database, indicating this variant is rare. An alternate nucleotide change that results in the same missense change (c.1843A>C; p.Ser615Arg) has been reported in individual(s) with CACNA1A-related disease (Lipman et al. 2022. PubMed ID: 35722745). A different missense change impacting the same amino acid (c.1844G>A; p.Ser615Asn) has been reported in ClinVar. This variant is interpreted as likely pathogenic.

NM_001127222.2(CACNA1A):c.1845C>A (p.Ser615Arg)

Gene: CACNA1A (calcium voltage-gated channel subunit alpha1 A; minus strand). Cytogenetic location: 19p13.13.
Variant type: single nucleotide variant.
Coding change: c.1845C>A on transcript NM_001127222.2 (MANE Select); coding-DNA position 1845, C replaced by A.
Protein change: p.Ser615Arg; replaces serine 615 with arginine.
Molecular consequence: missense variant.
Genome position (GRCh38, 1-based): chr19:13,308,188, G>T on the plus strand (C>A on the coding strand, the complement: CACNA1A is on the minus strand). VCF-style: chr19-13308188-G-T. GRCh37 (hg19) VCF-style: chr19-13419002-G-T.
Other names: c.1848C>A, p.Ser616Arg (NM_000068.4, NM_001127221.2, NM_001174080.2 and 1 more transcripts); short protein forms S615R, S616R.
Identifiers: ClinVar variation 3345391 (VCV003345391.1).